The following is an entry in ClinVar:

NM_004369.4(COL6A3):c.2144C>T (p.Ser715Leu)

Gene: COL6A3 (collagen type VI alpha 3 chain; minus strand). Cytogenetic location: 2q37.3.
Variant type: single nucleotide variant.
Coding change: c.2144C>T on transcript NM_004369.4 (MANE Select); coding-DNA position 2144, C replaced by T.
Protein change: p.Ser715Leu; replaces serine 715 with leucine.
Molecular consequence: missense variant. On other transcripts: intron variant (1).
Genome position (GRCh38, 1-based): chr2:237,378,989, G>A on the plus strand (C>T on the coding strand, the complement: COL6A3 is on the minus strand). VCF-style: chr2-237378989-G-A. GRCh37 (hg19) VCF-style: chr2-238287632-G-A.
Other names: c.923C>T, p.Ser308Leu (NM_057164.5); c.1526C>T, p.Ser509Leu (NM_057165.5, NM_057167.4); c.677-1645C>T (NM_057166.5); short protein forms S509L, S308L, S715L.
Identifiers: ClinVar variation 639334 (VCV000639334.14), dbSNP rs780115806, ClinGen allele CA2189473.

ClinVar aggregate classification (germline): Conflicting classifications of pathogenicity. Review status: criteria provided, conflicting classifications (1 of 4 stars). 4 submissions from 4 submitters: Uncertain significance (2); Benign (2). Last evaluated 2026-03-01.

Conditions:
Bethlem myopathy 1A. Also called: MYOPATHY, BENIGN CONGENITAL, WITH CONTRACTURES; Bethlem myopathy 1; Bethlem Muscular Dystrophy. Identifiers: Orphanet 610, MedGen CN029274, MONDO:0024530, OMIM 158810.
Limb-girdle muscular dystrophy (LGMD). Also called: Muscular Dystrophies, Limb-Girdle. Identifiers: Orphanet 263, MedGen C0686353, MeSH D049288, MONDO:0016971, HP:0006785.

Allele frequency attached by ClinVar (database versions not stated): gnomAD 0.00008 and 0.00009; TOPMed 0.00009.
gnomAD v4.1: 79 of 1,614,038 alleles (0.0049%); highest among the groups gnomAD compares: African/African-American, 0.015%; no homozygotes.

Submissions (4):

CeGaT Center for Human Genetics Tuebingen
Classification: Uncertain significance. Last evaluated: 2026-03-01. Review status: criteria provided, single submitter. Criteria: CeGaT Center For Human Genetics Tuebingen Variant Classification Criteria Version 2. Collection method: clinical testing. Allele origin: germline. Affected: yes. Observed: 1 variant allele.
Comment: COL6A3: PM2, BP4

Labcorp Genetics (formerly Invitae), Labcorp
Classification: Benign for Bethlem myopathy 1A. Last evaluated: 2025-09-05. Review status: criteria provided, single submitter. Criteria: Invitae Variant Classification Sherloc (09022015). Collection method: clinical testing. Allele origin: germline.

Revvity Omics, Revvity
Classification: Uncertain significance. Last evaluated: 2025-01-27. Review status: criteria provided, single submitter. Criteria: ACMG Guidelines, 2015. Collection method: clinical testing. Allele origin: germline.

Cambridge Genomics Laboratory, East Genomic Laboratory Hub, NHS Genomic Medicine Service
Classification: Benign for Limb-girdle muscular dystrophy. Last evaluated: 2019-09-03. Review status: criteria provided, single submitter. Criteria: ACGS Best Practice Guidelines for Variant Classification in Rare Disease 2020. Collection method: clinical testing. Allele origin: germline. Affected: yes. Observed: 1 variant allele.